The following is an entry in ClinVar:

NM_024312.5(GNPTAB):c.3136-1G>A

Gene: GNPTAB (N-acetylglucosamine-1-phosphate transferase subunits alpha and beta; minus strand). Cytogenetic location: 12q23.2.
Variant type: single nucleotide variant.
Coding change: c.3136-1G>A on transcript NM_024312.5 (MANE Select); the canonical splice acceptor site of the intron before coding-DNA position 3136, G replaced by A.
Molecular consequence: splice acceptor variant.
Genome position (GRCh38, 1-based): chr12:101,760,144, C>T on the plus strand (G>A on the coding strand, the complement: GNPTAB is on the minus strand). VCF-style: chr12-101760144-C-T. GRCh37 (hg19) VCF-style: chr12-102153922-C-T.
Identifiers: ClinVar variation 945270 (VCV000945270.8), dbSNP rs1952971551, ClinGen allele CA386294983.

ClinVar aggregate classification (germline): Likely pathogenic (1 of 4 stars; one submission).

Conditions:
Mucolipidosis type II. Also called: Mucolipidosis 2; ML 2; Inclusion cell disease; Leroy Disease; N-acetylglucosamine 1phosphotransferase deficiency; ML disorder type 2. Identifiers: Orphanet 576, MedGen C2673377, MONDO:0009650, OMIM 252500.
Pseudo-Hurler polydystrophy. Also called: ML IIIA; Mucolipidosis III Alpha/Beta; MUCOLIPIDOSIS IIIA; ML III; ML III ALPHA/BETA; Type III Mucolipidosis. Identifiers: Orphanet 423461, Orphanet 577, MedGen C0033788, MONDO:0018931, OMIM 252600.

Submission:

Labcorp Genetics (formerly Invitae), Labcorp
Classification: Likely pathogenic for Pseudo-Hurler polydystrophy; Mucolipidosis type II. Last evaluated: 2021-06-24. Review status: criteria provided, single submitter. Criteria: Invitae Variant Classification Sherloc (09022015). Collection method: clinical testing. Allele origin: germline.
Comment: In summary, the currently available evidence indicates that the variant is pathogenic, but additional data are needed to prove that conclusively. Therefore, this variant has been classified as Likely Pathogenic. Donor and acceptor splice site variants typically lead to a loss of protein function (PMID: 16199547), and loss-of-function variants in GNPTAB are known to be pathogenic (PMID: 19617216, 25107912). Algorithms developed to predict the effect of sequence changes on RNA splicing suggest that this variant may disrupt the consensus splice site, but this prediction has not been confirmed by published transcriptional studies. This variant has not been reported in the literature in individuals with GNPTAB-related conditions. This variant is not present in population databases (ExAC no frequency). This sequence change affects an acceptor splice site in intron 15 of the GNPTAB gene. It is expected to disrupt RNA splicing and likely results in an absent or disrupted protein product.

Literature cited by the submitters: PubMed 16199547; PubMed 19617216; PubMed 25107912.